The following is an entry in ClinVar:

NM_152657.4(GGN):c.362G>A (p.Arg121Gln)

Gene: GGN (gametogenetin; minus strand). Cytogenetic location: 19q13.2.
Variant type: single nucleotide variant.
Coding change: c.362G>A on transcript NM_152657.4 (MANE Select); coding-DNA position 362, G replaced by A.
Protein change: p.Arg121Gln; replaces arginine 121 with glutamine.
Molecular consequence: missense variant.
Genome position (GRCh38, 1-based): chr19:38,386,900, C>T on the plus strand (G>A on the coding strand, the complement: GGN is on the minus strand). VCF-style: chr19-38386900-C-T. GRCh37 (hg19) VCF-style: chr19-38877540-C-T.
Other names: short protein forms R121Q.
Identifiers: ClinVar variation 3026402 (VCV003026402.22), dbSNP rs1970739653, ClinGen allele CA405700807.

ClinVar aggregate classification (germline): Uncertain significance (1 of 4 stars; one submission).

Allele frequency attached by ClinVar (database versions not stated): gnomAD exomes below 0.00001; gnomAD 0.00001.
gnomAD v4.1: 3 of 1,565,026 alleles (0.00019%); highest among the groups gnomAD compares: Admixed American, 0.0038%; no homozygotes.

Submission:

CeGaT Center for Human Genetics Tuebingen
Classification: Uncertain significance. Last evaluated: 2024-01-01. Review status: criteria provided, single submitter. Criteria: CeGaT Center For Human Genetics Tuebingen Variant Classification Criteria Version 2. Collection method: clinical testing. Allele origin: germline. Affected: yes. Observed: 1 variant allele.
Comment: GGN: PM2